The following is an entry in ClinVar:

ClinVar aggregate classification (germline): Benign/Likely benign. Review status: criteria provided, multiple submitters, no conflicts (2 of 4 stars). 11 submissions from 9 submitters: Benign (4); Likely benign (6). 1 of the submissions does not count toward it. Last evaluated 2026-01-31.

Conditions:
Usher syndrome type 1 (USH1). Also called: RETINITIS PIGMENTOSA AND CONGENITAL DEAFNESS. Identifiers: Orphanet 231169, Orphanet 886, MedGen C1568247, MONDO:0010168, OMIM 276900.
Autosomal dominant nonsyndromic hearing loss 11. Identifiers: Orphanet 90635, MedGen C1832475, MONDO:0011032, OMIM 601317.
Autosomal recessive nonsyndromic hearing loss 2. Also called: DEAFNESS, AUTOSOMAL RECESSIVE 2; NEUROSENSORY NONSYNDROMIC RECESSIVE DEAFNESS 2. Identifiers: Orphanet 90636, MedGen C1838701, MONDO:0010807, OMIM 600060.
Usher syndrome type 1B (USH1B). Also called: Usher syndrome type IB. Identifiers: MedGen C1848638, MONDO:0700087.

Allele frequency attached by ClinVar (database versions not stated): gnomAD exomes 0.00135; ExAC 0.00267; ESP Exome Variant Server 0.00574; 1000 Genomes Project 30x 0.00687; gnomAD 0.00694 and 0.00740; 1000 Genomes Project 0.00699; TOPMed 0.00816.
gnomAD v4.1: 2,014 of 1,549,206 alleles (0.13%); highest among the groups gnomAD compares: African/African-American, 2.5%; 19 homozygotes.

Submissions (11):

Labcorp Genetics (formerly Invitae), Labcorp
Classification: Benign. Last evaluated: 2026-01-31. Review status: criteria provided, single submitter. Criteria: Invitae Variant Classification Sherloc (09022015). Collection method: clinical testing. Allele origin: germline.

Blueprint Genetics
Classification: Likely benign. Last evaluated: 2024-11-06. Review status: criteria provided, single submitter. Criteria: ACMG Guidelines, 2015. Collection method: clinical testing. Allele origin: germline.

GeneDx
Classification: Benign. Last evaluated: 2018-07-26. Review status: criteria provided, single submitter. Criteria: GeneDx Variant Classification Process June 2021. Collection method: clinical testing. Allele origin: germline. Affected: yes.

Illumina Laboratory Services, Illumina
Classification: Likely benign for Autosomal dominant nonsyndromic hearing loss 11. Last evaluated: 2017-04-27. Review status: criteria provided, single submitter. Criteria: ICSL Variant Classification Criteria 13 December 2019. Collection method: clinical testing. Allele origin: germline.
Comment: This variant was observed as part of a predisposition screen in an ostensibly healthy population. A literature search was performed for the gene, cDNA change, and amino acid change (where applicable). No publications were found based on this search. Allele frequency data from public databases allowed determination this variant is unlikely to cause disease. Therefore, this variant is classified as likely benign.

Illumina Laboratory Services, Illumina
Classification: Likely benign for Usher syndrome type 1. Last evaluated: 2017-04-27. Review status: criteria provided, single submitter. Criteria: ICSL Variant Classification Criteria 13 December 2019. Collection method: clinical testing. Allele origin: germline.
Comment: the same text as in the submission from Illumina Laboratory Services, Illumina above.

Illumina Laboratory Services, Illumina
Classification: Likely benign for Autosomal recessive nonsyndromic hearing loss 2. Last evaluated: 2017-04-27. Review status: criteria provided, single submitter. Criteria: ICSL Variant Classification Criteria 13 December 2019. Collection method: clinical testing. Allele origin: germline.
Comment: the same text as in the submission from Illumina Laboratory Services, Illumina above.

Center for Pediatric Genomic Medicine, Children's Mercy Hospital and Clinics
Classification: Likely benign. Last evaluated: 2015-09-28. Review status: criteria provided, single submitter. Criteria: ACMG Guidelines, 2015. Collection method: clinical testing. Allele origin: germline.
ClinVar note: Converted during submission from Likely Benign to Likely benign.

Eurofins Ntd Llc (ga)
Classification: Benign. Last evaluated: 2015-03-06. Review status: criteria provided, single submitter. Criteria: EGL Classification Definitions 2015. Collection method: clinical testing. Allele origin: germline. Observed: 1 variant allele, 1 heterozygote.

Laboratory for Molecular Medicine, Mass General Brigham Personalized Medicine
Classification: Benign. Last evaluated: 2011-11-03. Review status: criteria provided, single submitter. Criteria: LMM Criteria. Collection method: clinical testing. Allele origin: germline. Observed: 12 variant alleles.
Comment: Arg1739Arg in exon 38 of MYO7A: This variant is not expected to have clinical si gnificance because it does not alter an amino acid residue, is not located near a splice junction and has been identified in 2.9% (13/452 chromosomes) of a broa d population (dbSNP rs111033477).

Breakthrough Genomics
Classification: Likely benign. Review status: criteria provided, single submitter. Criteria: ACMG Guidelines, 2015. Collection method: not provided. Allele origin: germline. Inheritance: Autosomal recessive inheritance. Affected: yes.

Natera, Inc.
Classification: Benign for Usher syndrome type 1B. Last evaluated: 2019-12-06. Review status: no assertion criteria provided. Collection method: clinical testing. Allele origin: germline. Not counted in ClinVar's aggregate classification.

NM_000260.4(MYO7A):c.5215C>A (p.Arg1739=)

Gene: MYO7A (myosin VIIA; plus strand). Cytogenetic location: 11q13.5.
Variant type: single nucleotide variant.
Coding change: c.5215C>A on transcript NM_000260.4 (MANE Select); coding-DNA position 5215, C replaced by A.
Protein change: p.Arg1739=; no amino-acid change (arginine 1739 retained).
Molecular consequence: synonymous variant.
Genome position (GRCh38, 1-based): chr11:77,203,106, C>A. VCF-style: chr11-77203106-C-A. GRCh37 (hg19) VCF-style: chr11-76914151-C-A.
Other names: c.5101C>A, p.Arg1701= (NM_001127180.2); c.5068C>A, p.Arg1690= (NM_001369365.1).
Identifiers: ClinVar variation 43276 (VCV000043276.29), dbSNP rs111033477, ClinGen allele CA132377.